The following is an entry in ClinVar:

ClinVar aggregate classification (germline): Uncertain significance. Review status: criteria provided, multiple submitters, no conflicts (2 of 4 stars). 2 submissions from 2 submitters: Uncertain significance (2). Last evaluated 2025-07-22.

Conditions:
RASopathy. Also called: Noonan spectrum disorder; rasopathies. Identifiers: Orphanet 536391, MedGen C5555857, MONDO:0021060.

Allele frequency attached by ClinVar (database versions not stated): gnomAD 0.00001 and 0.00002; gnomAD exomes 0.00001 and 0.00002; ExAC 0.00003; TOPMed 0.00003; ESP Exome Variant Server 0.00008.

Submissions (2):

Labcorp Genetics (formerly Invitae), Labcorp
Classification: Uncertain significance for RASopathy. Last evaluated: 2025-07-22. Review status: criteria provided, single submitter. Criteria: Invitae Variant Classification Sherloc (09022015). Collection method: clinical testing. Allele origin: germline.
Comment: This sequence change replaces arginine, which is basic and polar, with glutamine, which is neutral and polar, at codon 164 of the KRAS protein (p.Arg164Gln). This variant is present in population databases (rs372793780, gnomAD 0.01%). This missense change has been observed in individual(s) with muscular dystrophy (PMID: 31069529). ClinVar contains an entry for this variant (Variation ID: 45128). Invitae Evidence Modeling incorporating data from in vitro experimental studies (internal data) indicates that this missense variant is not expected to disrupt KRAS function with a negative predictive value of 80%. Experimental studies have shown that this missense change affects KRAS function (PMID: 30792310). In summary, the available evidence is currently insufficient to determine the role of this variant in disease. Therefore, it has been classified as a Variant of Uncertain Significance.

Laboratory for Molecular Medicine, Mass General Brigham Personalized Medicine
Classification: Uncertain significance. Last evaluated: 2017-08-03. Review status: criteria provided, single submitter. Criteria: LMM Criteria. Collection method: clinical testing. Allele origin: germline. Observed: 2 variant alleles.
Comment: proposed classification - variant undergoing re-assessment, contact laboratory

Literature cited by the submitters: PubMed 31069529 (cited by Labcorp Genetics (formerly Invitae), Labcorp); PubMed 30792310 (cited by Labcorp Genetics (formerly Invitae), Labcorp); PubMed 20147967 (cited by Laboratory for Molecular Medicine, Mass General Brigham Personalized Medicine).

NM_004985.5(KRAS):c.491G>A (p.Arg164Gln)

Gene: KRAS (KRAS proto-oncogene, GTPase; minus strand). Cytogenetic location: 12p12.1.
Variant type: single nucleotide variant.
Coding change: c.491G>A on transcript NM_004985.5 (MANE Select); coding-DNA position 491, G replaced by A.
Protein change: p.Arg164Gln; replaces arginine 164 with glutamine.
Molecular consequence: missense variant. On other transcripts: 3 prime UTR variant (2).
Genome position (GRCh38, 1-based): chr12:25,209,871, C>T on the plus strand (G>A on the coding strand, the complement: KRAS is on the minus strand). VCF-style: chr12-25209871-C-T. GRCh37 (hg19) VCF-style: chr12-25362805-C-T.
Other names: c.*45G>A (NM_001369786.1, NM_033360.4); c.491G>A, p.Arg164Gln (NM_001369787.1); short protein forms R164Q.
Identifiers: ClinVar variation 45128 (VCV000045128.9), dbSNP rs372793780, ClinGen allele CA135580.